The following is an entry in ClinVar:

ClinVar aggregate classification (germline): Uncertain significance (1 of 4 stars; one submission).

Conditions:
Fanconi anemia (FA). Also called: Fanconi's anemia. Identifiers: Orphanet 84, MedGen C0015625, MeSH D005199, MONDO:0019391.

Allele frequency attached by ClinVar (database versions not stated): gnomAD 0.00001; TOPMed 0.00001.
gnomAD v4.1: 1 of 1,613,252 alleles (0.000062%); highest among the groups gnomAD compares: Non-Finnish European, 0.000085%; no homozygotes.

Submission:

Labcorp Genetics (formerly Invitae), Labcorp
Classification: Uncertain significance for Fanconi anemia. Last evaluated: 2022-03-19. Review status: criteria provided, single submitter. Criteria: Invitae Variant Classification Sherloc (09022015). Collection method: clinical testing. Allele origin: germline.
Comment: This sequence change falls in intron 7 of the FANCA gene. It does not directly change the encoded amino acid sequence of the FANCA protein. It affects a nucleotide within the consensus splice site. This variant is not present in population databases (gnomAD no frequency). This variant has not been reported in the literature in individuals affected with FANCA-related conditions. Variants that disrupt the consensus splice site are a relatively common cause of aberrant splicing (PMID: 17576681, 9536098). Algorithms developed to predict the effect of sequence changes on RNA splicing suggest that this variant may disrupt the consensus splice site. In summary, the available evidence is currently insufficient to determine the role of this variant in disease. Therefore, it has been classified as a Variant of Uncertain Significance.

Literature cited by the submitters: PubMed 17576681; PubMed 9536098.

NM_000135.4(FANCA):c.710-3C>A

Gene: FANCA (FA complementation group A; minus strand). Cytogenetic location: 16q24.3.
Variant type: single nucleotide variant.
Coding change: c.710-3C>A on transcript NM_000135.4 (MANE Select); 3 bases into the intron before coding-DNA position 710, C replaced by A.
Molecular consequence: intron variant.
Genome position (GRCh38, 1-based): chr16:89,803,344, G>T on the plus strand (C>A on the coding strand, the complement: FANCA is on the minus strand). VCF-style: chr16-89803344-G-T. GRCh37 (hg19) VCF-style: chr16-89869752-G-T.
Other names: c.710-3C>A (NM_001286167.3, NM_001018112.3); c.614-3C>A (NM_001351830.2).
Identifiers: ClinVar variation 2198297 (VCV002198297.1), dbSNP rs1248821456, ClinGen allele CA725771180.